The following is an entry in ClinVar:

NM_001369.3(DNAH5):c.11249_11250delinsGAGCTCGCTATCAGCCTCGAC (p.Val3750fs)

Genes: DNAH5 (dynein axonemal heavy chain 5; minus strand), LOC107457585 (meiotic recombination hotspot J; plus strand). Cytogenetic location: 5p15.2.
Variant type: Indel.
Coding change: c.11249_11250delinsGAGCTCGCTATCAGCCTCGAC on transcript NM_001369.3 (MANE Select); coding-DNA positions 11249 to 11250, TA replaced by GAGCTCGCTATCAGCCTCGAC.
Protein change: p.Val3750fs; shifts the reading frame from valine 3750.
Molecular consequence: frameshift variant.
Genome position (GRCh38, 1-based): chr5:13,737,457-13,737,458, TA replaced by GTCGAGGCTGATAGCGAGCTC on the plus strand (TA replaced by GAGCTCGCTATCAGCCTCGAC on the coding strand, the reverse complement: DNAH5 is on the minus strand). VCF-style: chr5-13737457-TA-GTCGAGGCTGATAGCGAGCTC. GRCh37 (hg19) VCF-style: chr5-13737566-TA-GTCGAGGCTGATAGCGAGCTC.
Other names: short protein forms V3750fs.
Identifiers: ClinVar variation 5010633 (VCV005010633.1).
Genomic context (GRCh38, chr5:13,737,457, plus strand): 5'-ACTTGTCAGGCGGTAAAGCAAGTTATCTTCTAGTTCCTTCATCCTTCTTTTGTTTGCAGT[TA>GTCGAGGCTGATAGCGAGCTC]CATCTTCCATCAGATGAGTTCTTTCTTTCTCCAATTCCTATTAATTTGCATAAATATATT-3'

ClinVar aggregate classification (germline): Pathogenic (1 of 4 stars; one submission).

Conditions:
Primary ciliary dyskinesia 3. Identifiers: Orphanet 244, MedGen C1837618, MONDO:0012085, OMIM 608644.

Submission:

Myriad Genetics, Inc.
Classification: Pathogenic for Primary ciliary dyskinesia 3. Last evaluated: 2024-05-14. Review status: criteria provided, single submitter. Criteria: Myriad Autosomal Dominant, Autosomal Recessive and X-Linked Classification Criteria (2023). Collection method: clinical testing. Allele origin: unknown.
Comment: NM_001369.2(DNAH5):c.11249_11250del2ins21(V3750Gfs*20) is expected to be pathogenic in the context of primary ciliary dyskinesia, DNAH5-related. This variant is predicted to lead to an abnormal or absent protein product due to the creation of a premature termination codon in DNAH5, a gene where loss-of-function variants are known to be pathogenic. Please note: this variant was assessed in the context of healthy population screening.